The following is an entry in ClinVar:

ClinVar aggregate classification (germline): Uncertain significance (1 of 4 stars; one submission).

Submission:

GeneDx
Classification: Uncertain significance. Last evaluated: 2023-08-09. Review status: criteria provided, single submitter. Criteria: GeneDx Variant Classification Process June 2021. Collection method: clinical testing. Allele origin: germline. Affected: yes.
Comment: Not observed at significant frequency in large population cohorts (gnomAD); In silico analysis supports that this missense variant does not alter protein structure/function; Has not been previously published as pathogenic or benign to our knowledge

NM_003403.5(YY1):c.233A>G (p.His78Arg)

Gene: YY1 (YY1 transcription factor; plus strand). Cytogenetic location: 14q32.2.
Variant type: single nucleotide variant.
Coding change: c.233A>G on transcript NM_003403.5 (MANE Select); coding-DNA position 233, A replaced by G.
Protein change: p.His78Arg; replaces histidine 78 with arginine.
Molecular consequence: missense variant.
Genome position (GRCh38, 1-based): chr14:100,239,477, A>G. VCF-style: chr14-100239477-A-G. GRCh37 (hg19) VCF-style: chr14-100705814-A-G.
Other names: short protein forms H78R.
Identifiers: ClinVar variation 3361785 (VCV003361785.1).